The following is an entry in ClinVar:

ClinVar aggregate classification (germline): Uncertain significance (1 of 4 stars; one submission).

gnomAD v4.1: 4 of 1,536,530 alleles (0.00026%); highest among the groups gnomAD compares: Non-Finnish European, 0.00035%; no homozygotes.

Submission:

Ambry Genetics
Classification: Uncertain significance. Last evaluated: 2025-10-01. Review status: criteria provided, single submitter. Criteria: Ambry Variant Classification Scheme 2023. Collection method: clinical testing. Allele origin: germline.
Comment: The c.32T>C (p.F11S) alteration is located in exon (coding exon ) of the USP40 gene. This alteration results from a T to C substitution at nucleotide position 32, causing the phenylalanine (F) at amino acid position 11 to be replaced by a serine (S). Based on insufficient or conflicting evidence, the clinical significance of this alteration remains unclear.

NM_001365479.2(USP40):c.-5T>C

Gene: USP40 (ubiquitin specific peptidase 40; minus strand). Cytogenetic location: 2q37.1.
Variant type: single nucleotide variant.
Coding change: c.-5T>C on transcript NM_001365479.2 (MANE Select); 5 bases upstream of the start codon, T replaced by C.
Molecular consequence: 5 prime UTR variant. On other transcripts: non-coding transcript variant (6).
Genome position (GRCh38, 1-based): chr2:233,565,559, A>G on the plus strand (T>C on the coding strand, the complement: USP40 is on the minus strand). VCF-style: chr2-233565559-A-G. GRCh37 (hg19) VCF-style: chr2-234474205-A-G.
Other names: c.-5T>C (NM_001382295.1, NM_001382296.1, NM_001382297.1 and 6 more transcripts).
Identifiers: ClinVar variation 4602994 (VCV004602994.1).